The following is an entry in ClinVar:

ClinVar aggregate classification (germline): Uncertain significance. Review status: criteria provided, multiple submitters, no conflicts (2 of 4 stars). 3 submissions from 3 submitters: Uncertain significance (3). Last evaluated 2026-03-24.

Conditions:
CHARGE syndrome (CHARGE). Also called: Hittner Hirsch Kreh syndrome; CHARGE ASSOCIATION--COLOBOMA, HEART ANOMALY, CHOANAL ATRESIA, RETARDATION, GENITAL AND EAR ANOMALIES; Coloboma, heart anomaly, choanal atresia, retardation, genital and ear anomalies; CHARGE association; Hall-Hittner syndrome. Identifiers: Orphanet 138, MedGen C0265354, MONDO:0008965.

gnomAD v4.1: 1 of 1,517,742 alleles (0.000066%); no homozygotes.

Submissions (3):

Women's Health and Genetics/Laboratory Corporation of America, LabCorp
Classification: Uncertain significance. Last evaluated: 2026-03-24. Review status: criteria provided, single submitter. Criteria: LabCorp Variant Classification Summary - May 2015. Collection method: clinical testing. Allele origin: germline.
Comment: Variant summary: CHD7 c.6734T>A (p.Leu2245Gln) results in a non-conservative amino acid change in the encoded protein sequence. Algorithms developed to predict the effect of missense changes on protein structure and function are either unavailable or do not agree on the potential impact of this missense change. The variant was absent in 175182 control chromosomes. The available data on variant occurrences in the general population are insufficient to allow any conclusion about variant significance. To our knowledge, no occurrence of c.6734T>A in individuals affected with CHD7-related conditions and no experimental evidence demonstrating its impact on protein function have been reported. ClinVar contains an entry for this variant (Variation ID: 1410366). Based on the evidence outlined above, the variant was classified as uncertain significance.

Blueprint Genetics
Classification: Uncertain significance. Last evaluated: 2024-06-26. Review status: criteria provided, single submitter. Criteria: ACMG Guidelines, 2015. Collection method: clinical testing. Allele origin: germline.

Labcorp Genetics (formerly Invitae), Labcorp
Classification: Uncertain significance for CHARGE syndrome. Last evaluated: 2021-01-16. Review status: criteria provided, single submitter. Criteria: Invitae Variant Classification Sherloc (09022015). Collection method: clinical testing. Allele origin: germline.
Comment: This variant has not been reported in the literature in individuals with CHD7-related conditions. Advanced modeling of protein sequence and biophysical properties (such as structural, functional, and spatial information, amino acid conservation, physicochemical variation, residue mobility, and thermodynamic stability) performed at Invitae indicates that this missense variant is not expected to disrupt CHD7 protein function. In summary, the available evidence is currently insufficient to determine the role of this variant in disease. Therefore, it has been classified as a Variant of Uncertain Significance. This variant is not present in population databases (ExAC no frequency). This sequence change replaces leucine with glutamine at codon 2245 of the CHD7 protein (p.Leu2245Gln). The leucine residue is highly conserved and there is a moderate physicochemical difference between leucine and glutamine.

NM_017780.4(CHD7):c.6734T>A (p.Leu2245Gln)

Gene: CHD7 (chromodomain helicase DNA binding protein 7; plus strand). Cytogenetic location: 8q12.2.
Variant type: single nucleotide variant.
Coding change: c.6734T>A on transcript NM_017780.4 (MANE Select); coding-DNA position 6734, T replaced by A.
Protein change: p.Leu2245Gln; replaces leucine 2245 with glutamine.
Molecular consequence: missense variant. On other transcripts: intron variant (1).
Genome position (GRCh38, 1-based): chr8:60,853,459, T>A. VCF-style: chr8-60853459-T-A. GRCh37 (hg19) VCF-style: chr8-61766018-T-A.
Other names: c.1717-8770T>A (NM_001316690.1); short protein forms L2245Q.
Identifiers: ClinVar variation 1410366 (VCV001410366.10), dbSNP rs2150811434, ClinGen allele CA371326213.